The following is an entry in ClinVar:

NM_012472.6(DNAAF11):c.6C>A (p.Gly2=)

Gene: DNAAF11 (dynein axonemal assembly factor 11; minus strand). Cytogenetic location: 8q24.22.
Variant type: single nucleotide variant.
Coding change: c.6C>A on transcript NM_012472.6 (MANE Select); coding-DNA position 6, C replaced by A.
Protein change: p.Gly2=; no amino-acid change (glycine 2 retained).
Molecular consequence: synonymous variant. On other transcripts: 5 prime UTR variant (4), non-coding transcript variant (10).
Genome position (GRCh38, 1-based): chr8:132,675,488, G>T on the plus strand (C>A on the coding strand, the complement: DNAAF11 is on the minus strand). VCF-style: chr8-132675488-G-T. GRCh37 (hg19) VCF-style: chr8-133687734-G-T.
Other names: c.6C>A (NM_012472.5, NM_012472.3); c.6C>A, p.Gly2= (NM_001321961.2, NM_001321962.2); c.-915C>A (NM_001321963.2); c.-1281C>A (NM_001321964.2); c.-1594C>A (NM_001321965.2); c.-565C>A (NM_001321966.2).
Identifiers: ClinVar variation 719921 (VCV000719921.13), dbSNP rs144399982, ClinGen allele CA4881536.
Genomic context (GRCh38, chr8:132,675,488, plus strand): 5'-CCGGGACTACTTCCACAAGGGGAACGATCGAGGACGGAAGGTGGAGGGGGGCTTACTCCA[G>T]CCCATGGCGCCTCTCCAGTTCGCTGACCCCGCAAGCCGGACCCGGACCTCGAATGACGCT-3'
Protein context (NP_036604.2, residues 1-12): M[Gly2=]WITEDLIRRN

ClinVar aggregate classification (germline): Likely benign. Review status: criteria provided, multiple submitters, no conflicts (2 of 4 stars). 3 submissions from 3 submitters: Likely benign (2). 1 of the submissions does not count toward it. Last evaluated 2024-06-28.

Conditions:
DNAAF11-related disorder. Also called: DNAAF11-related condition.
Primary ciliary dyskinesia. Also called: Ciliary dyskinesia. Identifiers: Orphanet 244, MedGen C0008780, MONDO:0016575, HP:0012265.
Primary ciliary dyskinesia 19. Also called: CILIARY DYSKINESIA, PRIMARY, 19, WITH OR WITHOUT SITUS INVERSUS. Identifiers: Orphanet 244, MedGen C3543826, MONDO:0013979, OMIM 614935.

Allele frequency attached by ClinVar (database versions not stated): ExAC 0.00009; TOPMed 0.00035; ESP Exome Variant Server 0.00054.
gnomAD v4.1: 83 of 1,567,656 alleles (0.0053%); highest among the groups gnomAD compares: African/African-American, 0.099%; no homozygotes.

Submissions (3):

Labcorp Genetics (formerly Invitae), Labcorp
Classification: Likely benign for Primary ciliary dyskinesia 19. Last evaluated: 2024-06-28. Review status: criteria provided, single submitter. Criteria: Invitae Variant Classification Sherloc (09022015). Collection method: clinical testing. Allele origin: germline.

Ambry Genetics
Classification: Likely benign for Primary ciliary dyskinesia. Last evaluated: 2023-11-02. Review status: criteria provided, single submitter. Criteria: Ambry Variant Classification Scheme 2023. Collection method: clinical testing. Allele origin: germline.

PreventionGenetics, part of Exact Sciences
Classification: Likely benign for DNAAF11-related condition. Last evaluated: 2019-07-16. Review status: no assertion criteria provided. Collection method: clinical testing. Allele origin: germline. Not counted in ClinVar's aggregate classification.
Comment: This variant is classified as likely benign based on ACMG/AMP sequence variant interpretation guidelines (Richards et al. 2015 PMID: 25741868, with internal and published modifications).